The following is an entry in ClinVar:

ClinVar aggregate classification (germline): Likely benign (1 of 4 stars; one submission).

Allele frequency attached by ClinVar (database versions not stated): gnomAD exomes 0.00009; ExAC 0.00011; ESP Exome Variant Server 0.00015; 1000 Genomes Project 30x 0.00031; TOPMed 0.00037; gnomAD 0.00039 and 0.00040; 1000 Genomes Project 0.00040.
gnomAD v4.1: 105 of 1,613,636 alleles (0.0065%); highest among the groups gnomAD compares: African/African-American, 0.1%; no homozygotes.

Submission:

Women's Health and Genetics/Laboratory Corporation of America, LabCorp
Classification: Likely benign. Last evaluated: 2017-03-13. Review status: criteria provided, single submitter. Criteria: LabCorp Variant Classification Summary - May 2015. Collection method: clinical testing. Allele origin: germline.
Comment: Variant summary: The LIG3 c.2701G>A (p.Ala901Thr) variant involves the alteration of a non-conserved nucleotide and is predicted to be benign by 3/4 in silico tools (SNPs&GO not captured due to low reliability index). This variant was found in 13/113832 control chromosomes from ExAC, predominantly observed in the African subpopulation at a frequency of 0.001251 (12/9596). This frequency is about 125 times the estimated maximal expected allele frequency of a pathogenic LIG3 variant (0.00001), suggesting this is likely a benign polymorphism found primarily in the populations of African origin. The variant of interest has not, to our knowledge, been reported in affected individuals via publications and/or reputable databases/clinical diagnostic laboratories. Taken together, this variant is classified as Likely Benign.

NM_013975.4(LIG3):c.2701G>A (p.Ala901Thr)

Gene: LIG3 (DNA ligase 3; plus strand). Cytogenetic location: 17q12.
Variant type: single nucleotide variant.
Coding change: c.2701G>A on transcript NM_013975.4 (MANE Select); coding-DNA position 2701, G replaced by A.
Protein change: p.Ala901Thr; replaces alanine 901 with threonine.
Molecular consequence: missense variant.
Genome position (GRCh38, 1-based): chr17:35,002,694, G>A. VCF-style: chr17-35002694-G-A. GRCh37 (hg19) VCF-style: chr17-33329713-G-A.
Other names: c.2701G>A, p.Ala901Thr (NM_002311.5); short protein forms A901T.
Identifiers: ClinVar variation 496418 (VCV000496418.1), dbSNP rs139474938, ClinGen allele CA8498739.